The following is an entry in ClinVar:

NM_001165963.4(SCN1A):c.5542C>T (p.Gln1848Ter)

Genes: SCN1A (sodium voltage-gated channel alpha subunit 1; minus strand), LOC102724058 (uncharacterized LOC102724058; plus strand). Cytogenetic location: 2q24.3.
Variant type: single nucleotide variant.
Coding change: c.5542C>T on transcript NM_001165963.4 (MANE Select); coding-DNA position 5542, C replaced by T.
Protein change: p.Gln1848Ter; replaces glutamine 1848 with a stop codon.
Molecular consequence: nonsense. On other transcripts: non-coding transcript variant (1).
Genome position (GRCh38, 1-based): chr2:165,991,733, G>A on the plus strand (C>T on the coding strand, the complement: SCN1A is on the minus strand). VCF-style: chr2-165991733-G-A. GRCh37 (hg19) VCF-style: chr2-166848243-G-A.
Other names: c.5458C>T, p.Gln1820Ter (NM_001165964.3, NM_001353957.2, NM_001353958.2); c.5542C>T, p.Gln1848Ter (NM_001202435.3, NM_001353948.2); c.5509C>T, p.Gln1837Ter (NM_001353949.2, NM_001353950.2, NM_001353951.2 and 2 more transcripts); c.5506C>T, p.Gln1836Ter (NM_001353954.2, NM_001353955.2); c.5455C>T, p.Gln1819Ter (NM_001353960.2); c.3100C>T, p.Gln1034Ter (NM_001353961.2); short protein forms Q1848*, Q1034*, Q1819*, Q1836*, Q1837*, Q1820*.
Identifiers: ClinVar variation 1458247 (VCV001458247.9), dbSNP rs2105426467, ClinGen allele CA349065506.
Genomic context (GRCh38, chr2:165,991,733, plus strand): 5'-AGATATCAAGACAGTGGATCCGGTCACCACTCACCATGGGCAAATCCATGGCAATGAGCT[G>A]GAGTTTGTTTGGTTGTGGCAGATTGAGAGGCGGTTCAAGCGCAGCTGCAAACTGAGATAA-3'

ClinVar aggregate classification (germline): Pathogenic (1 of 4 stars; one submission).

Conditions:
Early-infantile DEE. Also called: Early infantile epileptic encephalopathy; Ohtahara syndrome; Early infantile epileptic encephalopathy with suppression bursts. Identifiers: Orphanet 1934, MedGen C0393706, MONDO:0800491.

Submission:

Labcorp Genetics (formerly Invitae), Labcorp
Classification: Pathogenic for Early-infantile DEE. Last evaluated: 2021-04-16. Review status: criteria provided, single submitter. Criteria: Invitae Variant Classification Sherloc (09022015). Collection method: clinical testing. Allele origin: germline.
Comment: For these reasons, this variant has been classified as Pathogenic. This variant disrupts the C-terminus of the SCN1A protein. Other variant(s) that disrupt this region (p.Arg1912*) have been determined to be pathogenic (PMID: 14738421, 23195492, 20522430). This suggests that variants that disrupt this region of the protein are likely to be causative of disease. This variant has not been reported in the literature in individuals with SCN1A-related conditions. This variant is not present in population databases (ExAC no frequency). This sequence change creates a premature translational stop signal (p.Gln1848*) in the SCN1A gene. While this is not anticipated to result in nonsense mediated decay, it is expected to disrupt the last 162 amino acid(s) of the SCN1A protein.

Literature cited by the submitters: PubMed 14738421; PubMed 23195492; PubMed 20522430.